The following is an entry in ClinVar:

ClinVar aggregate classification (germline): Uncertain significance (1 of 4 stars; one submission).

Submission:

Labcorp Genetics (formerly Invitae), Labcorp
Classification: Uncertain significance. Last evaluated: 2022-05-21. Review status: criteria provided, single submitter. Criteria: Invitae Variant Classification Sherloc (09022015). Collection method: clinical testing. Allele origin: germline.
Comment: This variant has not been reported in the literature in individuals affected with CDH23-related conditions. In summary, the available evidence is currently insufficient to determine the role of this variant in disease. Therefore, it has been classified as a Variant of Uncertain Significance. Algorithms developed to predict the effect of missense changes on protein structure and function are either unavailable or do not agree on the potential impact of this missense change (SIFT: "Deleterious"; PolyPhen-2: "Not Available"; Align-GVGD: "Class C0"). This variant is not present in population databases (gnomAD no frequency). This sequence change replaces serine, which is neutral and polar, with cysteine, which is neutral and slightly polar, at codon 1833 of the CDH23 protein (p.Ser1833Cys).

NM_022124.6(CDH23):c.5498C>G (p.Ser1833Cys)

Gene: CDH23 (cadherin related 23; plus strand). Cytogenetic location: 10q22.1.
Variant type: single nucleotide variant.
Coding change: c.5498C>G on transcript NM_022124.6 (MANE Select); coding-DNA position 5498, C replaced by G.
Protein change: p.Ser1833Cys; replaces serine 1833 with cysteine.
Molecular consequence: missense variant.
Genome position (GRCh38, 1-based): chr10:71,784,416, C>G. VCF-style: chr10-71784416-C-G. GRCh37 (hg19) VCF-style: chr10-73544173-C-G.
Other names: short protein forms S1833C.
Identifiers: ClinVar variation 1997725 (VCV001997725.4), dbSNP rs773630075, ClinGen allele CA377145509.